The following is an entry in ClinVar:

ClinVar aggregate classification (germline): Uncertain significance (1 of 4 stars; one submission).

Conditions:
Inborn genetic diseases. Identifiers: MedGen C0950123, MeSH D030342.

gnomAD v4.1: 4 of 1,612,620 alleles (0.00025%); highest among the groups gnomAD compares: South Asian, 0.0011%; no homozygotes.

Submission:

Ambry Genetics
Classification: Uncertain significance for Inborn genetic diseases. Last evaluated: 2024-08-16. Review status: criteria provided, single submitter. Criteria: Ambry Variant Classification Scheme 2023. Collection method: clinical testing. Allele origin: germline.
Comment: The p.I774V variant (also known as c.2320A>G), located in coding exon 18 of the BUB1B gene, results from an A to G substitution at nucleotide position 2320. The isoleucine at codon 774 is replaced by valine, an amino acid with highly similar properties. This amino acid position is conserved. In addition, this alteration is predicted to be tolerated by in silico analysis. Based on the available evidence, the clinical significance of this variant remains unclear.

NM_001211.6(BUB1B):c.2320A>G (p.Ile774Val)

Gene: BUB1B (BUB1 mitotic checkpoint serine/threonine kinase B; plus strand). Cytogenetic location: 15q15.1.
Variant type: single nucleotide variant.
Coding change: c.2320A>G on transcript NM_001211.6 (MANE Select); coding-DNA position 2320, A replaced by G.
Protein change: p.Ile774Val; replaces isoleucine 774 with valine.
Molecular consequence: missense variant.
Genome position (GRCh38, 1-based): chr15:40,210,145, A>G. VCF-style: chr15-40210145-A-G. GRCh37 (hg19) VCF-style: chr15-40502346-A-G.
Other names: short protein forms I774V.
Identifiers: ClinVar variation 3483136 (VCV003483136.1).